The following is an entry in ClinVar:

ClinVar aggregate classification (germline): Uncertain significance. Review status: criteria provided, multiple submitters, no conflicts (2 of 4 stars). 2 submissions from 2 submitters: Uncertain significance (2). Last evaluated 2026-06-30.

Conditions:
Familial melanoma. Also called: Hereditary melanoma; Hereditary cutaneous melanoma. Identifiers: Orphanet 618, MedGen C1512419, MONDO:0018961.
Hereditary cancer-predisposing syndrome. Also called: Hereditary Cancer Syndrome; Neoplastic Syndromes, Hereditary; Hereditary neoplastic syndrome; Tumor predisposition. Identifiers: Orphanet 140162, MedGen C0027672, MeSH D009386, MONDO:0015356.

Submissions (2):

Ambry Genetics
Classification: Uncertain significance for Hereditary cancer-predisposing syndrome. Last evaluated: 2026-06-30. Review status: criteria provided, single submitter. Criteria: Ambry Variant Classification Scheme 2023. Collection method: clinical testing. Allele origin: germline.
Comment: The p.R24G variant (also known as c.70C>G), located in coding exon 1 of the CDK4 gene, results from a C to G substitution at nucleotide position 70. The arginine at codon 24 is replaced by glycine, an amino acid with dissimilar properties. This amino acid position is highly conserved in available vertebrate species. In addition, this alteration is predicted to be deleterious by in silico analysis. Based on the available evidence, the clinical significance of this variant remains unclear.

Labcorp Genetics (formerly Invitae), Labcorp
Classification: Uncertain significance for Familial melanoma. Last evaluated: 2022-09-20. Review status: criteria provided, single submitter. Criteria: Invitae Variant Classification Sherloc (09022015). Collection method: clinical testing. Allele origin: germline.
Comment: This variant disrupts the p.Arg24 amino acid residue in CDK4. Other variant(s) that disrupt this residue have been determined to be pathogenic (PMID: 7652577, 8528263, 9425228, 11756559, 15880589, 23384855, 23546221). This suggests that this residue is clinically significant, and that variants that disrupt this residue are likely to be disease-causing. In summary, the available evidence is currently insufficient to determine the role of this variant in disease. Therefore, it has been classified as a Variant of Uncertain Significance. Advanced modeling of protein sequence and biophysical properties (such as structural, functional, and spatial information, amino acid conservation, physicochemical variation, residue mobility, and thermodynamic stability) performed at Invitae indicates that this missense variant is expected to disrupt CDK4 protein function. ClinVar contains an entry for this variant (Variation ID: 1372933). This variant has not been reported in the literature in individuals affected with CDK4-related conditions. This variant is not present in population databases (gnomAD no frequency). This sequence change replaces arginine, which is basic and polar, with glycine, which is neutral and non-polar, at codon 24 of the CDK4 protein (p.Arg24Gly).

Literature cited by the submitters: PubMed 7652577 (cited by Labcorp Genetics (formerly Invitae), Labcorp); PubMed 8528263 (cited by Labcorp Genetics (formerly Invitae), Labcorp); PubMed 9425228 (cited by Labcorp Genetics (formerly Invitae), Labcorp); PubMed 11756559 (cited by Labcorp Genetics (formerly Invitae), Labcorp); PubMed 15880589 (cited by Labcorp Genetics (formerly Invitae), Labcorp); PubMed 23384855 (cited by Labcorp Genetics (formerly Invitae), Labcorp); PubMed 23546221 (cited by Labcorp Genetics (formerly Invitae), Labcorp).

NM_000075.4(CDK4):c.70C>G (p.Arg24Gly)

Gene: CDK4 (cyclin dependent kinase 4; minus strand). Cytogenetic location: 12q14.1.
Variant type: single nucleotide variant.
Coding change: c.70C>G on transcript NM_000075.4 (MANE Select); coding-DNA position 70, C replaced by G.
Protein change: p.Arg24Gly; replaces arginine 24 with glycine.
Molecular consequence: missense variant.
Genome position (GRCh38, 1-based): chr12:57,751,648, G>C on the plus strand (C>G on the coding strand, the complement: CDK4 is on the minus strand). VCF-style: chr12-57751648-G-C. GRCh37 (hg19) VCF-style: chr12-58145431-G-C.
Other names: c.70C>G (NM_000075.3); short protein forms R24G.
Identifiers: ClinVar variation 1372933 (VCV001372933.9), dbSNP rs11547328, ClinGen allele CA385549015.